The following is an entry in ClinVar:

NM_198253.3(TERT):c.913G>T (p.Ala305Ser)

Gene: TERT (telomerase reverse transcriptase; minus strand). Cytogenetic location: 5p15.33.
Variant type: single nucleotide variant.
Coding change: c.913G>T on transcript NM_198253.3 (MANE Select); coding-DNA position 913, G replaced by T.
Protein change: p.Ala305Ser; replaces alanine 305 with serine.
Molecular consequence: missense variant. On other transcripts: non-coding transcript variant (2).
Genome position (GRCh38, 1-based): chr5:1,293,973, C>A on the plus strand (G>T on the coding strand, the complement: TERT is on the minus strand). VCF-style: chr5-1293973-C-A. GRCh37 (hg19) VCF-style: chr5-1294088-C-A.
Other names: c.913G>T, p.Ala305Ser (NM_001193376.3, NM_003219.1); short protein forms A305S.
Identifiers: ClinVar variation 3238494 (VCV003238494.1), dbSNP rs755275006.
Genomic context (GRCh38, chr5:1,293,973, plus strand): 5'-ACACCGGGGGACAAGGCGTGTCCCAGGGACGTGGTGGCCGCGATGTGGATGGGGGGCCCG[C>A]GTGGTGCTGGCGGCCCACGGATGGGTGGGAGTGGCGCGTGCCAGAGAGCGCACCCTCCAA-3'
Protein context (NP_937983.2, residues 295-315): SHPSVGRQHH[Ala305Ser]GPPSTSRPPR

ClinVar aggregate classification (germline): Uncertain significance (1 of 4 stars; one submission).

Conditions:
Dyskeratosis congenita. Identifiers: Orphanet 1775, MedGen C0265965, MONDO:0015780.

Allele frequency attached by ClinVar (database versions not stated): gnomAD exomes below 0.00001; TOPMed 0.00001; gnomAD 0.00002.
gnomAD v4.1: 4 of 1,561,754 alleles (0.00026%); highest among the groups gnomAD compares: Admixed American, 0.0056%; no homozygotes.

Submission:

Ambry Genetics
Classification: Uncertain significance for Dyskeratosis congenita. Last evaluated: 2023-08-30. Review status: criteria provided, single submitter. Criteria: Ambry Variant Classification Scheme 2023. Collection method: clinical testing. Allele origin: germline.
Comment: The p.A305S variant (also known as c.913G>T), located in coding exon 2 of the TERT gene, results from a G to T substitution at nucleotide position 913. The alanine at codon 305 is replaced by serine, an amino acid with similar properties. This amino acid position is conserved. In addition, this alteration is predicted to be tolerated by in silico analysis. Since supporting evidence is limited at this time, the clinical significance of this alteration remains unclear.